The following is an entry in ClinVar:

NC_000011.9:g.(?_14380289)_(14380416_?)del

Gene: RRAS2 (RAS related 2; minus strand). Cytogenetic location: 11p15.2.
Variant type: Deletion.
Identifiers: ClinVar variation 2425786 (VCV002425786.4).

ClinVar aggregate classification (germline): Uncertain significance (1 of 4 stars; one submission).

Submission:

Labcorp Genetics (formerly Invitae), Labcorp
Classification: Uncertain significance. Last evaluated: 2022-05-04. Review status: criteria provided, single submitter. Criteria: Invitae Variant Classification Sherloc (09022015). Collection method: clinical testing. Allele origin: germline.
Comment: This variant has not been reported in the literature in individuals affected with RRAS2-related conditions. In summary, the available evidence is currently insufficient to determine the role of this variant in disease. Therefore, it has been classified as a Variant of Uncertain Significance. This variant is a gross deletion of the genomic region encompassing exon(s) 1 of the RRAS2 gene, which includes the initiator codon. This deletion extends beyond the assayed region for this gene and therefore may encompass additional genes. It is expected to result in an absent or disrupted protein product. However, the current clinical and genetic evidence is not sufficient to establish whether loss-of-function variants in RRAS2 cause disease.